The following is an entry in ClinVar:

NM_007103.4(NDUFV1):c.777T>C (p.Gly259=)

Gene: NDUFV1 (NADH:ubiquinone oxidoreductase core subunit V1; plus strand). Cytogenetic location: 11q13.2.
Variant type: single nucleotide variant.
Coding change: c.777T>C on transcript NM_007103.4 (MANE Select); coding-DNA position 777, T replaced by C.
Protein change: p.Gly259=; no amino-acid change (glycine 259 retained).
Molecular consequence: synonymous variant.
Genome position (GRCh38, 1-based): chr11:67,611,071, T>C. VCF-style: chr11-67611071-T-C. GRCh37 (hg19) VCF-style: chr11-67378542-T-C.
Other names: c.750T>C, p.Gly250= (NM_001166102.2).
Identifiers: ClinVar variation 737228 (VCV000737228.11), dbSNP rs148303496, ClinGen allele CA6143285.
Genomic context (GRCh38, chr11:67,611,071, plus strand): 5'-CACAACTGTGGCCAACGTGGAGACAGTGGCAGTGTCCCCCACAATCTGCCGCCGTGGAGG[T>C]ACCTGGTTTGCTGGCTTTGGCAGAGAACGCAACTCAGGCACCAAACTATTCAACATCTCT-3'
Protein context (NP_009034.2, residues 249-269): AVSPTICRRG[Gly259=]TWFAGFGRER

ClinVar aggregate classification (germline): Likely benign. Review status: criteria provided, single submitter (1 of 4 stars). 2 submissions from 2 submitters: Likely benign (1). 1 of the submissions does not count toward it. Last evaluated 2024-03-18.

Conditions:
NDUFV1-related disorder. Also called: NDUFV1-related disorders; NDUFV1-related condition.

Allele frequency attached by ClinVar (database versions not stated): gnomAD exomes 0.00004 and 0.00012; ExAC 0.00018; gnomAD 0.00041 and 0.00044; TOPMed 0.00044; ESP Exome Variant Server 0.00046; 1000 Genomes Project 30x 0.00141; 1000 Genomes Project 0.00160.
gnomAD v4.1: 138 of 1,614,174 alleles (0.0085%); highest among the groups gnomAD compares: African/African-American, 0.16%; no homozygotes.

Submissions (2):

Labcorp Genetics (formerly Invitae), Labcorp
Classification: Likely benign. Last evaluated: 2024-03-18. Review status: criteria provided, single submitter. Criteria: Invitae Variant Classification Sherloc (09022015). Collection method: clinical testing. Allele origin: germline.

PreventionGenetics, part of Exact Sciences
Classification: Benign for NDUFV1-related condition. Last evaluated: 2024-09-16. Review status: no assertion criteria provided. Collection method: clinical testing. Allele origin: germline. Not counted in ClinVar's aggregate classification.
Comment: This variant is classified as benign based on ACMG/AMP sequence variant interpretation guidelines (Richards et al. 2015 PMID: 25741868, with internal and published modifications).